The following is an entry in ClinVar:

ClinVar aggregate classification (germline): Conflicting classifications of pathogenicity. Review status: criteria provided, conflicting classifications (1 of 4 stars). 2 submissions from 2 submitters: Uncertain significance (1); Likely benign (1). Last evaluated 2025-03-01.

Conditions:
Periodic fever-infantile enterocolitis-autoinflammatory syndrome. Also called: Autoinflammation with infantile enterocolitis. Identifiers: Orphanet 436166, MedGen C4015067, MONDO:0014472, OMIM 616050.
Familial cold autoinflammatory syndrome 4 (FCAS4). Identifiers: Orphanet 47045, Orphanet 576349, MedGen C4015276, MONDO:0014498, OMIM 616115.

Allele frequency attached by ClinVar (database versions not stated): gnomAD exomes 0.00003; ExAC 0.00002.
gnomAD v4.1: 16 of 1,614,170 alleles (0.00099%); highest among the groups gnomAD compares: South Asian, 0.018%; 1 homozygote.

Submissions (2):

CeGaT Center for Human Genetics Tuebingen
Classification: Likely benign. Last evaluated: 2025-03-01. Review status: criteria provided, single submitter. Criteria: CeGaT Center For Human Genetics Tuebingen Variant Classification Criteria Version 2. Collection method: clinical testing. Allele origin: germline. Affected: yes. Observed: 1 variant allele.
Comment: NLRC4: BP4, BS2

Labcorp Genetics (formerly Invitae), Labcorp
Classification: Uncertain significance for Periodic fever-infantile enterocolitis-autoinflammatory syndrome; Familial cold autoinflammatory syndrome 4. Last evaluated: 2023-09-25. Review status: criteria provided, single submitter. Criteria: Invitae Variant Classification Sherloc (09022015). Collection method: clinical testing. Allele origin: germline.
Comment: In summary, the available evidence is currently insufficient to determine the role of this variant in disease. Therefore, it has been classified as a Variant of Uncertain Significance. Advanced modeling of protein sequence and biophysical properties (such as structural, functional, and spatial information, amino acid conservation, physicochemical variation, residue mobility, and thermodynamic stability) performed at Invitae indicates that this missense variant is not expected to disrupt NLRC4 protein function. ClinVar contains an entry for this variant (Variation ID: 1505585). This variant has not been reported in the literature in individuals affected with NLRC4-related conditions. This variant is present in population databases (rs751001500, gnomAD 0.02%). This sequence change replaces glutamic acid, which is acidic and polar, with glutamine, which is neutral and polar, at codon 658 of the NLRC4 protein (p.Glu658Gln).

NM_001199138.2(NLRC4):c.1972G>C (p.Glu658Gln)

Gene: NLRC4 (NLR family CARD domain containing 4; minus strand). Cytogenetic location: 2p22.3.
Variant type: single nucleotide variant.
Coding change: c.1972G>C on transcript NM_001199138.2 (MANE Select); coding-DNA position 1972, G replaced by C.
Protein change: p.Glu658Gln; replaces glutamic acid 658 with glutamine.
Molecular consequence: missense variant. On other transcripts: intron variant (1).
Genome position (GRCh38, 1-based): chr2:32,249,892, C>G on the plus strand (G>C on the coding strand, the complement: NLRC4 is on the minus strand). VCF-style: chr2-32249892-C-G. GRCh37 (hg19) VCF-style: chr2-32474961-C-G.
Other names: c.1972G>C, p.Glu658Gln (NM_001199139.2, NM_021209.5); c.262+2527G>C (NM_001302504.1); short protein forms E658Q.
Identifiers: ClinVar variation 1505585 (VCV001505585.13), dbSNP rs751001500, ClinGen allele CA1601894.